The following is an entry in ClinVar:

ClinVar aggregate classification (germline): Uncertain significance. Review status: criteria provided, multiple submitters, no conflicts (2 of 4 stars). 2 submissions from 2 submitters: Uncertain significance (2). Last evaluated 2023-06-02.

Allele frequency attached by ClinVar (database versions not stated): TOPMed 0.00001; ExAC 0.00003; gnomAD 0.00005.
gnomAD v4.1: 37 of 1,613,974 alleles (0.0023%); highest among the groups gnomAD compares: Non-Finnish European, 0.0026%; no homozygotes.

Submissions (2):

Mayo Clinic Laboratories, Mayo Clinic
Classification: Uncertain significance. Last evaluated: 2023-06-02. Review status: criteria provided, single submitter. Criteria: ACMG Guidelines, 2015. Collection method: clinical testing. Allele origin: germline. Observed: 1 variant allele.
Comment: BP4

Labcorp Genetics (formerly Invitae), Labcorp
Classification: Uncertain significance. Last evaluated: 2022-05-16. Review status: criteria provided, single submitter. Criteria: Invitae Variant Classification Sherloc (09022015). Collection method: clinical testing. Allele origin: germline.
Comment: This sequence change replaces proline, which is neutral and non-polar, with serine, which is neutral and polar, at codon 811 of the CTDP1 protein (p.Pro811Ser). This variant is present in population databases (rs778985766, gnomAD 0.007%). This variant has not been reported in the literature in individuals affected with CTDP1-related conditions. Algorithms developed to predict the effect of missense changes on protein structure and function (SIFT, PolyPhen-2, Align-GVGD) all suggest that this variant is likely to be tolerated. In summary, the available evidence is currently insufficient to determine the role of this variant in disease. Therefore, it has been classified as a Variant of Uncertain Significance.

NM_004715.5(CTDP1):c.2431C>T (p.Pro811Ser)

Gene: CTDP1 (CTD phosphatase subunit 1; plus strand). Cytogenetic location: 18q23.
Variant type: single nucleotide variant.
Coding change: c.2431C>T on transcript NM_004715.5 (MANE Select); coding-DNA position 2431, C replaced by T.
Protein change: p.Pro811Ser; replaces proline 811 with serine.
Molecular consequence: missense variant. On other transcripts: intron variant (1).
Genome position (GRCh38, 1-based): chr18:79,728,920, C>T. VCF-style: chr18-79728920-C-T. GRCh37 (hg19) VCF-style: chr18-77488920-C-T.
Other names: p.Pro811Ser; c.2074C>T, p.Pro692Ser (NM_001202504.1); c.2431C>T, p.Pro811Ser (NM_001318511.2); c.2418-7435C>T (NM_048368.4); short protein forms P811S, P692S.
Identifiers: ClinVar variation 2193208 (VCV002193208.2), dbSNP rs778985766, ClinGen allele CA9010610.